The following is an entry in ClinVar:

NM_001267550.2(TTN):c.104000T>C (p.Ile34667Thr)

Genes: TTN-AS1 (TTN antisense RNA 1; plus strand), TTN (titin; minus strand). Cytogenetic location: 2q31.2.
Variant type: single nucleotide variant.
Coding change: c.104000T>C on transcript NM_001267550.2 (MANE Select); coding-DNA position 104000, T replaced by C.
Protein change: p.Ile34667Thr; replaces isoleucine 34667 with threonine.
Molecular consequence: missense variant.
Genome position (GRCh38, 1-based): chr2:178,532,615, A>G on the plus strand (T>C on the coding strand, the complement: TTN is on the minus strand). VCF-style: chr2-178532615-A-G. GRCh37 (hg19) VCF-style: chr2-179397342-A-G.
Other names: c.76805T>C, p.Ile25602Thr (NM_003319.4); c.77180T>C, p.Ile25727Thr (NM_133432.3); c.77381T>C, p.Ile25794Thr (NM_133437.4); c.99077T>C, p.Ile33026Thr (NM_001256850.1); c.96296T>C, p.Ile32099Thr (NM_133378.4); short protein forms I32099T, I34667T, I33026T, I25794T, I25602T, I25727T.
Identifiers: ClinVar variation 178832 (VCV000178832.49), dbSNP rs727504476, ClinGen allele CA183120.

ClinVar aggregate classification (germline): Conflicting classifications of pathogenicity. Review status: criteria provided, conflicting classifications (1 of 4 stars). 12 submissions from 12 submitters: Uncertain significance (10); Likely benign (2). Last evaluated 2026-02-13.

Conditions:
TTN-related disorder. Also called: TTN-related disorders; TTN-related condition; TTN-related disease.
Cardiovascular phenotype. Identifiers: MedGen CN230736.
Dilated cardiomyopathy 1G (CMD1G). Identifiers: Orphanet 154, MedGen C1858763, MONDO:0011400, OMIM 604145.
Autosomal recessive limb-girdle muscular dystrophy type 2J (LGMDR10). Also called: Limb-girdle muscular dystrophy, type 2J; MUSCULAR DYSTROPHY, LIMB-GIRDLE, AUTOSOMAL RECESSIVE 10. Identifiers: Orphanet 140922, MedGen C1837342, MONDO:0012127, OMIM 608807.
Hypertrophic cardiomyopathy 9. Also called: Familial hypertrophic cardiomyopathy 9. Identifiers: MedGen C1861065, MONDO:0013412, OMIM 613765.
Myopathy, myofibrillar, 9, with early respiratory failure (MFM9). Also called: Hereditary myopathy with early respiratory failure; MYOPATHY, PROXIMAL, WITH EARLY RESPIRATORY MUSCLE INVOLVEMENT; EDSTROM MYOPATHY; Myopathy, distal, with early respiratory failure, autosomal dominant. Identifiers: Orphanet 178464, Orphanet 34521, MedGen C1863599, MONDO:0011362, OMIM 603689.
Tibial muscular dystrophy (TMD). Also called: UDD MYOPATHY; Tibial muscular dystrophy, tardive; Udd Distal Myopathy – Tibial Muscular Dystrophy. Identifiers: Orphanet 609, MedGen C1838244, MONDO:0010870, OMIM 600334.
Early-onset myopathy with fatal cardiomyopathy (CMYO5). Also called: CONGENITAL MYOPATHY 5 WITH CARDIOMYOPATHY; Salih Myopathy. Identifiers: Orphanet 289377, MedGen C2673677, MONDO:0012714, OMIM 611705. Disease mechanism: loss of function.
Cardiomyopathy (CMYO). Also called: Cardiomyopathies. Identifiers: Orphanet 167848, MedGen C0878544, MONDO:0004994, HP:0001638. Inheritance: Various modes of inheritance.

Allele frequency attached by ClinVar (database versions not stated): gnomAD 0.00005 and 0.00006; gnomAD exomes 0.00005; TOPMed 0.00006; ExAC 0.00008.
gnomAD v4.1: 77 of 1,613,844 alleles (0.0048%); highest among the groups gnomAD compares: Middle Eastern, 0.033%; 1 homozygote.

Submissions (12):

PreventionGenetics, part of Exact Sciences
Classification: Uncertain significance for TTN-related condition. Last evaluated: 2026-02-13. Review status: criteria provided, single submitter. Criteria: ACMG Guidelines, 2015. Collection method: clinical testing. Allele origin: germline.
Comment: The TTN c.104000T>C variant is predicted to result in the amino acid substitution p.Ile34667Thr. This variant has been reported as a variant of uncertain significance in an individual with Brugada syndrome (described as p.32099I>T in Table S4, Mademont-Soler et al. 2017. PubMed ID: 28771489). This variant is reported in 0.0087% of alleles in individuals of Latino descent in gnomAD. At this time, the clinical significance of this variant is uncertain due to the absence of conclusive functional and genetic evidence.

Molecular Diagnostic Laboratory for Inherited Cardiovascular Disease, Montreal Heart Institute
Classification: Likely benign. Last evaluated: 2025-04-09. Review status: criteria provided, single submitter. Criteria: ACMG Guidelines, 2015. Collection method: clinical testing. Allele origin: germline. Affected: no.

CeGaT Center for Human Genetics Tuebingen
Classification: Uncertain significance. Last evaluated: 2024-12-01. Review status: criteria provided, single submitter. Criteria: CeGaT Center For Human Genetics Tuebingen Variant Classification Criteria Version 2. Collection method: clinical testing. Allele origin: germline. Affected: yes. Observed: 2 variant alleles.
Comment: TTN: PM2

Labcorp Genetics (formerly Invitae), Labcorp
Classification: Uncertain significance for Dilated cardiomyopathy 1G; Autosomal recessive limb-girdle muscular dystrophy type 2J. Last evaluated: 2022-11-03. Review status: criteria provided, single submitter. Criteria: Invitae Variant Classification Sherloc (09022015). Collection method: clinical testing. Allele origin: germline.
Comment: This sequence change replaces isoleucine, which is neutral and non-polar, with threonine, which is neutral and polar, at codon 34667 of the TTN protein (p.Ile34667Thr). This variant is present in population databases (rs727504476, gnomAD 0.009%). This variant has not been reported in the literature in individuals affected with TTN-related conditions. ClinVar contains an entry for this variant (Variation ID: 178832). Experimental studies and prediction algorithms are not available or were not evaluated, and the functional significance of this variant is currently unknown. This variant is located in the M band of TTN (PMID: 25589632). Variants in this region may be relevant for neuromuscular disorders, but have not been definitively shown to cause cardiomyopathy (PMID: 23975875). In summary, the available evidence is currently insufficient to determine the role of this variant in disease. Therefore, it has been classified as a Variant of Uncertain Significance.

Women's Health and Genetics/Laboratory Corporation of America, LabCorp
Classification: Uncertain significance. Last evaluated: 2022-08-06. Review status: criteria provided, single submitter. Criteria: LabCorp Variant Classification Summary - May 2015. Collection method: clinical testing. Allele origin: germline.

Ambry Genetics
Classification: Uncertain significance for Cardiovascular phenotype. Last evaluated: 2020-08-18. Review status: criteria provided, single submitter. Criteria: Ambry Variant Classification Scheme 2023. Collection method: clinical testing. Allele origin: germline.
Comment: The p.I25602T variant (also known as c.76805T>C), located in coding exon 185 of the TTN gene, results from a T to C substitution at nucleotide position 76805. The isoleucine at codon 25602 is replaced by threonine, an amino acid with similar properties. This amino acid position is not well conserved in available vertebrate species. In addition, this alteration is predicted to be tolerated by in silico analysis. Since supporting evidence is limited at this time, the clinical significance of this alteration remains unclear.

CHEO Genetics Diagnostic Laboratory, Children's Hospital of Eastern Ontario
Classification: Uncertain significance for Cardiomyopathy. Last evaluated: 2020-08-04. Review status: criteria provided, single submitter. Criteria: ACMG Guidelines, 2015. Collection method: clinical testing. Allele origin: germline. Study: Canadian Open Genetics Repository.

Revvity Omics, Revvity
Classification: Uncertain significance. Last evaluated: 2019-12-26. Review status: criteria provided, single submitter. Criteria: ACMG Guidelines, 2015. Collection method: clinical testing. Allele origin: germline.

GeneDx
Classification: Likely benign. Last evaluated: 2019-06-18. Review status: criteria provided, single submitter. Criteria: GeneDx Variant Classification Process June 2021. Collection method: clinical testing. Allele origin: germline. Affected: yes.
Comment: This variant is associated with the following publications: (PMID: 28771489)

Fulgent Genetics
Classification: Uncertain significance for Tibial muscular dystrophy; Myopathy, myofibrillar, 9, with early respiratory failure; Dilated cardiomyopathy 1G; Autosomal recessive limb-girdle muscular dystrophy type 2J; Early-onset myopathy with fatal cardiomyopathy; Hypertrophic cardiomyopathy 9. Last evaluated: 2018-10-31. Review status: criteria provided, single submitter. Criteria: ACMG Guidelines, 2015. Collection method: clinical testing. Allele origin: unknown.

Eurofins Ntd Llc (ga)
Classification: Uncertain significance. Last evaluated: 2015-09-15. Review status: criteria provided, single submitter. Criteria: EGL Classification Definitions 2015. Collection method: clinical testing. Allele origin: germline. Observed: 1 variant allele, 1 heterozygote.

Laboratory for Molecular Medicine, Mass General Brigham Personalized Medicine
Classification: Uncertain significance. Last evaluated: 2013-04-02. Review status: criteria provided, single submitter. Criteria: LMM Criteria. Collection method: clinical testing. Allele origin: germline. Observed: 2 variant alleles.
Comment: This variant has not been identified in large European American and African American populations by the NHLBI Exome Sequencing Project, though it may be present in other populations. Computational analyses (biochemical amino acid properties, conserva tion, AlignGVGD, and PolyPhen2) suggest that the Ile32099Thr variant may not imp act the protein, though this information is not predictive enough to rule out pa thogenicity. Additional information is needed to fully assess the clinical signi ficance of this variant.

Literature cited by the submitters: PubMed 25589632 (cited by Labcorp Genetics (formerly Invitae), Labcorp); PubMed 23975875 (cited by Labcorp Genetics (formerly Invitae), Labcorp).